The following is an entry in ClinVar:

ClinVar aggregate classification (germline): Uncertain significance. Review status: criteria provided, multiple submitters, no conflicts (2 of 4 stars). 2 submissions from 2 submitters: Uncertain significance (2). Last evaluated 2024-09-12.

Conditions:
Schaaf-Yang syndrome (SHFYNG). Also called: MAGEL2-related Prader-Willi-like syndrome; Arthrogryposis, distal, with hypopituitarism, intellectual disability, and facial anomalies. Identifiers: Orphanet 398069, MedGen C5575066, MONDO:0014243, OMIM 615547.

Allele frequency attached by ClinVar (database versions not stated): gnomAD 0.00001; gnomAD exomes 0.00001; ExAC 0.00002; TOPMed 0.00002; ESP Exome Variant Server 0.00008.

Submissions (2):

GeneDx
Classification: Uncertain significance. Last evaluated: 2024-09-12. Review status: criteria provided, single submitter. Criteria: GeneDx Variant Classification Process June 2021. Collection method: clinical testing. Allele origin: germline. Affected: yes.
Comment: Has not been previously published as pathogenic or benign to our knowledge; In-silico analysis is inconclusive as to whether the variant impacts protein structure/function. In the absence of functional studies, the actual effect of this sequence change is unknown

New York Genome Center
Classification: Uncertain significance for Schaaf-Yang syndrome. Last evaluated: 2022-01-28. Review status: criteria provided, single submitter. Criteria: NYGC Assertion Criteria 2020. Collection method: clinical testing. Allele origin: inherited. Observed: 1 heterozygote. Study: CSER-NYCKidSeq.
Comment: The c.2498C>A (p.Ala833Glu) variant identified in the MAGEL2 gene substitutes a well conserved Alanine for Glutamic Acid at amino acid 833/2623 (coding exon 1/1). This variant is found with low frequency in gnomAD (4 heterozygotes, 0 homozygotes; allele frequency: 1.43e-5) suggesting it is not a common benign variant in the populations represented in this database. In silico algorithms do not agree on the effect of this variant, as it is predicted to be Neutral (Provean; score:-1.75) and Damaging (SIFT; score:0.000) to the function of the canonical transcript. This variant is absent from ClinVar and to our current knowledge has not beenreported in affected individuals in the literature. The p.Ala833 residue is not within a mapped domain of the MAGEL2 protein. MAGEL2 is within the imprinted Prader-Willi /Angelman region on chromosome 15q11-15q13, and pathogenic variants in MAGEL2 are located on the paternal allele. While most pathogenic variants in MAGEL2 are nonsense and frameshift, recently the irst pathogenic missense variant has been described in an affected individual (PMID:31397880), suggesting missense variants can be a mechanism of disease. Given the lack of compelling information for its pathogenicity, the c.2498C>A (p.Ala833Glu) variant identified in the MAGEL2 gene is reported here as a Variant of Uncertain Significance.

NM_019066.5(MAGEL2):c.2498C>A (p.Ala833Glu)

Gene: MAGEL2 (MAGE family member L2; minus strand). Cytogenetic location: 15q11.2.
Variant type: single nucleotide variant.
Coding change: c.2498C>A on transcript NM_019066.5 (MANE Select); coding-DNA position 2498, C replaced by A.
Protein change: p.Ala833Glu; replaces alanine 833 with glutamic acid.
Molecular consequence: missense variant.
Genome position (GRCh38, 1-based): chr15:23,645,245, G>T on the plus strand (C>A on the coding strand, the complement: MAGEL2 is on the minus strand). VCF-style: chr15-23645245-G-T. GRCh37 (hg19) VCF-style: chr15-23890392-G-T.
Other names: short protein forms A833E.
Identifiers: ClinVar variation 983392 (VCV000983392.3), dbSNP rs374790538, ClinGen allele CA7429889.